The following is an entry in ClinVar:

ClinVar aggregate classification (germline): Benign (1 of 4 stars; one submission).

Conditions:
Noonan syndrome-like disorder with loose anagen hair 1 (NSLH1). Also called: MAZZANTI SYNDROME; TOSTI SYNDROME. Identifiers: Orphanet 2701, MedGen C4478716, MONDO:0054637, OMIM 607721.

Allele frequency attached by ClinVar (database versions not stated): gnomAD 0.00002 and 0.00006; TOPMed 0.00003; 1000 Genomes Project 30x 0.00031; 1000 Genomes Project 0.00040.
gnomAD v4.1: 9 of 152,496 alleles (0.0059%); highest among the groups gnomAD compares: East Asian, 0.17%; no homozygotes.

Submission:

Illumina Laboratory Services, Illumina
Classification: Benign for Noonan syndrome-like disorder with loose anagen hair 1. Last evaluated: 2018-01-12. Review status: criteria provided, single submitter. Criteria: ICSL Variant Classification Criteria 13 December 2019. Collection method: clinical testing. Allele origin: germline.
Comment: This variant was observed in the ICSL laboratory as part of a predisposition screen in an ostensibly healthy population. It had not been previously curated by ICSL or reported in the Human Gene Mutation Database (HGMD: prior to June 1st, 2018), and was therefore a candidate for classification through an automated scoring system. Utilizing variant allele frequency, disease prevalence and penetrance estimates, and inheritance mode, an automated score was calculated to assess if this variant is too frequent to cause the disease. Based on the score and internal cut-off values, a variant classified as benign is not then subjected to further curation. The score for this variant resulted in a classification of benign for this disease.

NM_007373.4(SHOC2):c.*914G>A

Gene: SHOC2 (SHOC2 leucine rich repeat scaffold protein; plus strand). Cytogenetic location: 10q25.2.
Variant type: single nucleotide variant.
Coding change: c.*914G>A on transcript NM_007373.4 (MANE Select); 914 bases downstream of the stop codon, G replaced by A.
Molecular consequence: 3 prime UTR variant. On other transcripts: non-coding transcript variant (1).
Genome position (GRCh38, 1-based): chr10:111,012,732, G>A. VCF-style: chr10-111012732-G-A. GRCh37 (hg19) VCF-style: chr10-112772490-G-A.
Other names: c.*914G>A (NM_001269039.3, NM_001324336.2, NM_001324337.2).
Identifiers: ClinVar variation 298874 (VCV000298874.5), dbSNP rs189223963, ClinGen allele CA10631034.
Genomic context (GRCh38, chr10:111,012,732, plus strand): 5'-AAATAAATTACATATAAACACACACAATCTATATATGTATATACAATGCTATATAGATAT[G>A]TATTTATTATATCATAAACTACAGTAGGTAACTTTAAGGATTTCTTCCTATCCTTGTACA-3'